The following is an entry in ClinVar:

NM_003647.3(DGKE):c.713G>A (p.Gly238Glu)

Gene: DGKE (diacylglycerol kinase epsilon; plus strand). Cytogenetic location: 17q22.
Variant type: single nucleotide variant.
Coding change: c.713G>A on transcript NM_003647.3 (MANE Select); coding-DNA position 713, G replaced by A.
Protein change: p.Gly238Glu; replaces glycine 238 with glutamic acid.
Molecular consequence: missense variant.
Genome position (GRCh38, 1-based): chr17:56,845,778, G>A. VCF-style: chr17-56845778-G-A. GRCh37 (hg19) VCF-style: chr17-54923139-G-A.
Other names: short protein forms G238E.
Identifiers: ClinVar variation 1312987 (VCV001312987.6), dbSNP rs201154049, ClinGen allele CA8663580.

ClinVar aggregate classification (germline): Uncertain significance. Review status: criteria provided, multiple submitters, no conflicts (2 of 4 stars). 6 submissions from 6 submitters: Uncertain significance (6). Last evaluated 2024-10-18.

Conditions:
Inborn genetic diseases. Identifiers: MedGen C0950123, MeSH D030342.
Immunoglobulin-mediated membranoproliferative glomerulonephritis. Also called: Nephrotic syndrome, type 7; NEPHROTIC SYNDROME, TYPE 7, WITH MEMBRANOPROLIFERATIVE GLOMERULONEPHRITIS. Identifiers: Orphanet 329903, MedGen C3554330, MONDO:0014005, OMIM 615008.

Allele frequency attached by ClinVar (database versions not stated): gnomAD 0.00015 and 0.00017; TOPMed 0.00022; gnomAD exomes 0.00029 and 0.00053; ExAC 0.00030; ESP Exome Variant Server 0.00031.
gnomAD v4.1: 776 of 1,609,400 alleles (0.048%); highest among the groups gnomAD compares: South Asian, 0.093%; 1 homozygote.

Submissions (6):

Blueprint Genetics
Classification: Uncertain significance. Last evaluated: 2024-10-18. Review status: criteria provided, single submitter. Criteria: ACMG Guidelines, 2015. Collection method: clinical testing. Allele origin: germline.

Women's Health and Genetics/Laboratory Corporation of America, LabCorp
Classification: Uncertain significance. Last evaluated: 2023-11-15. Review status: criteria provided, single submitter. Criteria: LabCorp Variant Classification Summary - May 2015. Collection method: clinical testing. Allele origin: germline.
Comment: Variant summary: DGKE c.713G>A (p.Gly238Glu) results in a non-conservative amino acid change located in the Diacylglycerol kinase, catalytic domain (IPR001206) of the encoded protein sequence. Three of five in-silico tools predict a benign effect of the variant on protein function. The variant allele was found at a frequency of 0.00029 in 247722 control chromosomes (gnomAD). This frequency is not significantly higher than estimated for a pathogenic variant in DGKE causing Nephrotic Syndrome, Type 7 (0.00029 vs 0.0011), allowing no conclusion about variant significance. To our knowledge, no occurrence of c.713G>A in individuals affected with Nephrotic Syndrome, Type 7 and no experimental evidence demonstrating its impact on protein function have been reported. Three submitters have cited clinical-significance assessments for this variant to ClinVar after 2014. All submitters classified the variant as uncertain significance. Based on the evidence outlined above, the variant was classified as uncertain significance.

Labcorp Genetics (formerly Invitae), Labcorp
Classification: Uncertain significance. Last evaluated: 2022-07-21. Review status: criteria provided, single submitter. Criteria: Invitae Variant Classification Sherloc (09022015). Collection method: clinical testing. Allele origin: germline.
Comment: This sequence change replaces glycine, which is neutral and non-polar, with glutamic acid, which is acidic and polar, at codon 238 of the DGKE protein (p.Gly238Glu). This variant is present in population databases (rs201154049, gnomAD 0.1%). This variant has not been reported in the literature in individuals affected with DGKE-related conditions. ClinVar contains an entry for this variant (Variation ID: 1312987). Algorithms developed to predict the effect of missense changes on protein structure and function are either unavailable or do not agree on the potential impact of this missense change (SIFT: "Tolerated"; PolyPhen-2: "Probably Damaging"; Align-GVGD: "Class C0"). Algorithms developed to predict the effect of sequence changes on RNA splicing suggest that this variant may create or strengthen a splice site. In summary, the available evidence is currently insufficient to determine the role of this variant in disease. Therefore, it has been classified as a Variant of Uncertain Significance.

Ambry Genetics
Classification: Uncertain significance for Inborn genetic diseases. Last evaluated: 2021-09-27. Review status: criteria provided, single submitter. Criteria: Ambry Variant Classification Scheme 2023. Collection method: clinical testing. Allele origin: germline.

GeneDx
Classification: Uncertain significance. Last evaluated: 2020-07-07. Review status: criteria provided, single submitter. Criteria: GeneDx Variant Classification Process June 2021. Collection method: clinical testing. Allele origin: germline. Affected: yes.
Comment: In silico analysis supports that this missense variant does not alter protein structure/function; Has not been previously published as pathogenic or benign to our knowledge

Neuberg Centre For Genomic Medicine, NCGM
Classification: Uncertain significance for Immunoglobulin-mediated membranoproliferative glomerulonephritis. Review status: criteria provided, single submitter. Criteria: ACMG Guidelines, 2015. Collection method: clinical testing. Allele origin: germline. Inheritance: Autosomal recessive inheritance. Affected: yes.
Comment: The missense variant p.G238E in DGKE (NM_003647.3) has not been reported previously as a pathogenic variant nor as a benign variant, to our knowledge. There is a moderate physicochemical difference between glycine and glutamic acid. The p.G238E missense variant is predicted to be damaging by both SIFT and PolyPhen2. The glycine residue at codon 238 of DGKE is conserved in all mammalian species. The nucleotide c.713 in DGKE is predicted conserved by GERP++ and PhyloP across 100 vertebrates. For these reasons, this variant has been classified as Uncertain Significance.